The following is an entry in ClinVar:

NM_014874.4(MFN2):c.288C>A (p.His96Gln)

Gene: MFN2 (mitofusin 2; plus strand). Cytogenetic location: 1p36.22.
Variant type: single nucleotide variant.
Coding change: c.288C>A on transcript NM_014874.4 (MANE Select); coding-DNA position 288, C replaced by A.
Protein change: p.His96Gln; replaces histidine 96 with glutamine.
Molecular consequence: missense variant.
Genome position (GRCh38, 1-based): chr1:11,992,667, C>A. VCF-style: chr1-11992667-C-A. GRCh37 (hg19) VCF-style: chr1-12052724-C-A.
Other names: c.288C>A, p.His96Gln (NM_001127660.2); short protein forms H96Q.
Identifiers: ClinVar variation 841838 (VCV000841838.9), dbSNP rs779756767, ClinGen allele CA338462222.
Genomic context (GRCh38, chr1:11,992,667, plus strand): 5'-GGACGTCAAAGGTTACCTATCCAAAGTGAGAGGCATCAGTGAGGTGCTGGCTCGGAGGCA[C>A]ATGAAAGTGGCTTTTTTTGGCCGGTAAGTCCTTGAGGCACCCACCCTTTCTTTCTTCCTG-3'
Protein context (NP_055689.1, residues 86-106): RGISEVLARR[His96Gln]MKVAFFGRTS

ClinVar aggregate classification (germline): Uncertain significance (1 of 4 stars; one submission).

Conditions:
Charcot-Marie-Tooth disease type 2. Also called: Charcot-Marie-Tooth type 2. Identifiers: Orphanet 64746, MedGen C0270914, MONDO:0018993.

gnomAD v4.1: 6 of 1,614,080 alleles (0.00037%); highest among the groups gnomAD compares: Non-Finnish European, 0.00051%; no homozygotes.

Submission:

Labcorp Genetics (formerly Invitae), Labcorp
Classification: Uncertain significance for Charcot-Marie-Tooth disease type 2. Last evaluated: 2025-05-11. Review status: criteria provided, single submitter. Criteria: Invitae Variant Classification Sherloc (09022015). Collection method: clinical testing. Allele origin: germline.
Comment: This sequence change replaces histidine, which is basic and polar, with glutamine, which is neutral and polar, at codon 96 of the MFN2 protein (p.His96Gln). This variant is present in population databases (no rsID available, gnomAD 0.007%). This variant has not been reported in the literature in individuals affected with MFN2-related conditions. ClinVar contains an entry for this variant (Variation ID: 841838). Invitae Evidence Modeling of protein sequence and biophysical properties (such as structural, functional, and spatial information, amino acid conservation, physicochemical variation, residue mobility, and thermodynamic stability) has been performed for this missense variant. However, the output from this modeling did not meet the statistical confidence thresholds required to predict the impact of this variant on MFN2 protein function. In summary, the available evidence is currently insufficient to determine the role of this variant in disease. Therefore, it has been classified as a Variant of Uncertain Significance.